The following is an entry in ClinVar:

NC_000006.11:g.(?_65523251)_(65622656_?)del

Gene: EYS (eyes shut homolog; minus strand). Cytogenetic location: 6q12.
Variant type: Deletion.
Identifiers: ClinVar variation 1068047 (VCV001068047.5).

ClinVar aggregate classification (germline): Pathogenic (1 of 4 stars; one submission).

Submission:

Labcorp Genetics (formerly Invitae), Labcorp
Classification: Pathogenic. Last evaluated: 2023-06-26. Review status: criteria provided, single submitter. Criteria: Invitae Variant Classification Sherloc (09022015). Collection method: clinical testing. Allele origin: germline.
Comment: This variant is a gross deletion of the genomic region encompassing exon(s) 16-22 of the EYS gene. This variant would be expected to be in-frame, preserving the integrity of the reading frame. For these reasons, this variant has been classified as Pathogenic. This variant disrupts a region of the EYS protein in which other variant(s) (p.Gly843Glu) have been determined to be pathogenic (PMID: 22302105, 29785639, 31814702). This suggests that this is a clinically significant region of the protein, and that variants that disrupt it are likely to be disease-causing. This variant has not been reported in the literature in individuals affected with EYS-related conditions.

Literature cited by the submitters: PubMed 22302105; PubMed 29785639; PubMed 31814702.